The following is an entry in ClinVar:

NM_001164508.2(NEB):c.17479C>T (p.Pro5827Ser)

Gene: NEB (nebulin; minus strand). Cytogenetic location: 2q23.3.
Variant type: single nucleotide variant.
Coding change: c.17479C>T on transcript NM_001164508.2 (MANE Select); coding-DNA position 17479, C replaced by T.
Protein change: p.Pro5827Ser; replaces proline 5827 with serine.
Molecular consequence: missense variant.
Genome position (GRCh38, 1-based): chr2:151,569,324, G>A on the plus strand (C>T on the coding strand, the complement: NEB is on the minus strand). VCF-style: chr2-151569324-G-A. GRCh37 (hg19) VCF-style: chr2-152425838-G-A.
Other names: c.17479C>T, p.Pro5827Ser (NM_001164507.2, NM_001271208.2); c.12376C>T, p.Pro4126Ser (NM_004543.5); short protein forms P5827S, P4126S.
Identifiers: ClinVar variation 565546 (VCV000565546.8), dbSNP rs1560050173, ClinGen allele CA348806007.

ClinVar aggregate classification (germline): Uncertain significance (1 of 4 stars; one submission).

Conditions:
Nemaline myopathy 2 (NEM2). Also called: Nemaline myopathy 2, autosomal recessive. Identifiers: MedGen C1850569, MONDO:0009725, OMIM 256030.

Submission:

Labcorp Genetics (formerly Invitae), Labcorp
Classification: Uncertain significance for Nemaline myopathy 2. Last evaluated: 2018-06-26. Review status: criteria provided, single submitter. Criteria: Invitae Variant Classification Sherloc (09022015). Collection method: clinical testing. Allele origin: germline.
Comment: In summary, the available evidence is currently insufficient to determine the role of this variant in disease. Therefore, it has been classified as a Variant of Uncertain Significance. Algorithms developed to predict the effect of missense changes on protein structure and function are either unavailable or do not agree on the potential impact of this missense change (SIFT: "Deleterious"; PolyPhen-2: "Not Available"; Align-GVGD: "Class C0"). This variant has not been reported in the literature in individuals with NEB-related disease. This variant is not present in population databases (ExAC no frequency). This sequence change replaces proline with serine at codon 5827 of the NEB protein (p.Pro5827Ser). The proline residue is moderately conserved and there is a moderate physicochemical difference between proline and serine.